The following is an entry in ClinVar:

ClinVar aggregate classification (germline): Uncertain significance. Review status: criteria provided, multiple submitters, no conflicts (2 of 4 stars). 2 submissions from 2 submitters: Uncertain significance (2). Last evaluated 2025-06-28.

Conditions:
HPD-related disorder. Also called: HPD-related condition.
Hawkinsinuria. Identifiers: Orphanet 2118, MedGen C2931042, MONDO:0007700, OMIM 140350, HP:0034457.
Tyrosinemia type III. Also called: Tyrosinemia type 3; 4-alpha hydroxyphenylpyruvic acid oxidase deficiency; 4-alpha hydroxyphenylpyruvate dioxygenase deficiency; 4-Hydroxyphenylpyruvate dioxygenase deficiency; 4-HYDROXYPHENYLPYRUVIC ACID OXIDASE DEFICIENCY. Identifiers: Orphanet 69723, MedGen C0268623, MONDO:0010162, OMIM 276710.

Allele frequency attached by ClinVar (database versions not stated): TOPMed 0.00001; gnomAD exomes 0.00002 and 0.00004; ExAC 0.00005.
gnomAD v4.1: 12 of 1,614,002 alleles (0.00074%); highest among the groups gnomAD compares: Admixed American, 0.02%; no homozygotes.

Submissions (2):

Labcorp Genetics (formerly Invitae), Labcorp
Classification: Uncertain significance for Tyrosinemia type III; Hawkinsinuria. Last evaluated: 2025-06-28. Review status: criteria provided, single submitter. Criteria: Invitae Variant Classification Sherloc (09022015). Collection method: clinical testing. Allele origin: germline.
Comment: This sequence change replaces serine, which is neutral and polar, with proline, which is neutral and non-polar, at codon 21 of the HPD protein (p.Ser21Pro). This variant is present in population databases (rs776782918, gnomAD 0.03%). This missense change has been observed in individual(s) with clinical features of HPD-related conditions (internal data). In at least one individual the data is consistent with being in trans (on the opposite chromosome) from a pathogenic variant. ClinVar contains an entry for this variant (Variation ID: 861981). Invitae Evidence Modeling of protein sequence and biophysical properties (such as structural, functional, and spatial information, amino acid conservation, physicochemical variation, residue mobility, and thermodynamic stability) indicates that this missense variant is not expected to disrupt HPD protein function with a negative predictive value of 80%. In summary, the available evidence is currently insufficient to determine the role of this variant in disease. Therefore, it has been classified as a Variant of Uncertain Significance.

PreventionGenetics, part of Exact Sciences
Classification: Uncertain significance for HPD-related condition. Last evaluated: 2024-11-09. Review status: criteria provided, single submitter. Criteria: ACMG Guidelines, 2015. Collection method: clinical testing. Allele origin: germline.
Comment: The HPD c.61T>C variant is predicted to result in the amino acid substitution p.Ser21Pro. To our knowledge, this variant has not been reported in the literature. This variant is reported in 0.029% of alleles in individuals of Latino descent in gnomAD. At this time, the clinical significance of this variant is uncertain due to the absence of conclusive functional and genetic evidence.

NM_002150.3(HPD):c.61T>C (p.Ser21Pro)

Genes: HPD (4-hydroxyphenylpyruvate dioxygenase; minus strand), TIALD (transcript inducer of AURKA lysosomal degradation; plus strand). Cytogenetic location: 12q24.31.
Variant type: single nucleotide variant.
Coding change: c.61T>C on transcript NM_002150.3 (MANE Select); coding-DNA position 61, T replaced by C.
Protein change: p.Ser21Pro; replaces serine 21 with proline.
Molecular consequence: missense variant. On other transcripts: 5 prime UTR variant (1).
Genome position (GRCh38, 1-based): chr12:121,857,789, A>G on the plus strand (T>C on the coding strand, the complement: HPD is on the minus strand). VCF-style: chr12-121857789-A-G. GRCh37 (hg19) VCF-style: chr12-122295695-A-G.
Other names: c.-57T>C (NM_001171993.2); short protein forms S21P.
Identifiers: ClinVar variation 861981 (VCV000861981.10), dbSNP rs776782918, ClinGen allele CA6839851.
Genomic context (GRCh38, chr12:121,857,789, plus strand): 5'-CACTCCAGCACCTTGCCCCGGCTTCTACCTGCTTGGCGTTGCCAACCCAGAAGGTCACAG[A>G]GTGGAAGTGGAGGAATCGGCCTCTCTCAGGCTGCAGAAGGAGAGAAGAGGTGAGGTTGAG-3'
Protein context (NP_002141.2, residues 11-31): PERGRFLHFH[Ser21Pro]VTFWVGNAKQ